The following is an entry in ClinVar:

ClinVar aggregate classification (germline): Uncertain significance. Review status: criteria provided, multiple submitters, no conflicts (2 of 4 stars). 2 submissions from 2 submitters: Uncertain significance (2). Last evaluated 2026-06-10.

Conditions:
Inborn genetic diseases. Identifiers: MedGen C0950123, MeSH D030342.
Immunodeficiency 104. Also called: SCID, AUTOSOMAL RECESSIVE, T CELL-NEGATIVE, B CELL-POSITIVE, NK CELL-POSITIVE; Severe combined immunodeficiency, autosomal recessive, T cell-negative, B cell-positive, NK cell-positive; Severe Combined Immune Deficiency, Autosomal Recessive, TCell -Negative, B Cell-Positive, NK Cell-Positive, IL7R-Related; IMMUNODEFICIENCY 104, SEVERE COMBINED. Identifiers: MedGen C5676890, MONDO:0012163, OMIM 608971.

gnomAD v4.1: 2 of 1,613,598 alleles (0.00012%); highest among the groups gnomAD compares: Non-Finnish European, 0.00017%; no homozygotes.

Submissions (2):

Ambry Genetics
Classification: Uncertain significance for Inborn genetic diseases. Last evaluated: 2026-06-10. Review status: criteria provided, single submitter. Criteria: Ambry Variant Classification Scheme 2023. Collection method: clinical testing. Allele origin: germline.

Labcorp Genetics (formerly Invitae), Labcorp
Classification: Uncertain significance for Immunodeficiency 104. Last evaluated: 2022-01-21. Review status: criteria provided, single submitter. Criteria: Invitae Variant Classification Sherloc (09022015). Collection method: clinical testing. Allele origin: germline.
Comment: This sequence change replaces threonine, which is neutral and polar, with arginine, which is basic and polar, at codon 479 of the PTPRC protein (p.Thr479Arg). This variant is not present in population databases (gnomAD no frequency). This variant has not been reported in the literature in individuals affected with PTPRC-related conditions. Algorithms developed to predict the effect of missense changes on protein structure and function output the following: SIFT: "Tolerated"; PolyPhen-2: "Benign"; Align-GVGD: "Class C0". The arginine amino acid residue is found in multiple mammalian species, which suggests that this missense change does not adversely affect protein function. Algorithms developed to predict the effect of sequence changes on RNA splicing suggest that this variant may create or strengthen a splice site. In summary, the available evidence is currently insufficient to determine the role of this variant in disease. Therefore, it has been classified as a Variant of Uncertain Significance.

NM_002838.5(PTPRC):c.1436C>G (p.Thr479Arg)

Gene: PTPRC (protein tyrosine phosphatase receptor type C; plus strand). Cytogenetic location: 1q32.1.
Variant type: single nucleotide variant.
Coding change: c.1436C>G on transcript NM_002838.5 (MANE Select); coding-DNA position 1436, C replaced by G.
Protein change: p.Thr479Arg; replaces threonine 479 with arginine.
Molecular consequence: missense variant.
Genome position (GRCh38, 1-based): chr1:198,716,826, C>G. VCF-style: chr1-198716826-C-G. GRCh37 (hg19) VCF-style: chr1-198685955-C-G.
Other names: c.1430C>G (NM_002838.3); c.953C>G, p.Thr318Arg (NM_080921.4); short protein forms T479R, T318R.
Identifiers: ClinVar variation 2088813 (VCV002088813.5), dbSNP rs2527858630, ClinGen allele CA344037855.
Genomic context (GRCh38, chr1:198,716,826, plus strand): 5'-TACATGCCTACATCATTGCAAAAGTGCAACGTAATGGAAGTGCTGCAATGTGTCATTTCA[C>G]AACTAAAAGTGCTCGTAAGTTATATGTTTTAATGCTTCTTTCCATAAATGGTAAAAAGCA-3'
Protein context (NP_002829.3, residues 469-489): RNGSAAMCHF[Thr479Arg]TKSAPPSQVW